The following is an entry in ClinVar:

ClinVar aggregate classification (germline): Uncertain significance (1 of 4 stars; one submission).

gnomAD v4.1: 51 of 1,583,040 alleles (0.0032%); highest among the groups gnomAD compares: Non-Finnish European, 0.0042%; no homozygotes.

Submission:

Labcorp Genetics (formerly Invitae), Labcorp
Classification: Uncertain significance. Last evaluated: 2021-08-28. Review status: criteria provided, single submitter. Criteria: Invitae Variant Classification Sherloc (09022015). Collection method: clinical testing. Allele origin: germline.
Comment: This sequence change replaces phenylalanine with leucine at codon 226 of the PEPD protein (p.Phe226Leu). The phenylalanine residue is highly conserved and there is a small physicochemical difference between phenylalanine and leucine. This variant is not present in population databases (ExAC no frequency). This variant has not been reported in the literature in individuals affected with PEPD-related conditions. Algorithms developed to predict the effect of missense changes on protein structure and function are either unavailable or do not agree on the potential impact of this missense change (SIFT: "Deleterious"; PolyPhen-2: "Probably Damaging"; Align-GVGD: "Class C15"). In summary, the available evidence is currently insufficient to determine the role of this variant in disease. Therefore, it has been classified as a Variant of Uncertain Significance.

NM_000285.4(PEPD):c.678C>G (p.Phe226Leu)

Gene: PEPD (peptidase D; minus strand). Cytogenetic location: 19q13.11.
Variant type: single nucleotide variant.
Coding change: c.678C>G on transcript NM_000285.4 (MANE Select); coding-DNA position 678, C replaced by G.
Protein change: p.Phe226Leu; replaces phenylalanine 226 with leucine.
Molecular consequence: missense variant.
Genome position (GRCh38, 1-based): chr19:33,413,637, G>C on the plus strand (C>G on the coding strand, the complement: PEPD is on the minus strand). VCF-style: chr19-33413637-G-C. GRCh37 (hg19) VCF-style: chr19-33904543-G-C.
Other names: c.555C>G, p.Phe185Leu (NM_001166056.2); c.486C>G, p.Phe162Leu (NM_001166057.2); short protein forms F185L, F162L, F226L.
Identifiers: ClinVar variation 1419853 (VCV001419853.5), dbSNP rs746307467, ClinGen allele CA405222420.
Genomic context (GRCh38, chr19:33,413,637, plus strand): 5'-GCCGCAGATGCAGGTGTAGGAGCTGTGGCGCATGCCGCCCCGGGAGTAGCAGTAGTGCTC[G>C]AAGAGGCTGCAGGGGGAGAGACGCGTCAGGGTTGGGGCACTAGAGCAGGCACACCCCACT-3'
Protein context (NP_000276.2, residues 216-236): GMKEYELESL[Phe226Leu]EHYCYSRGGM